The following is an entry in ClinVar:

NM_032608.7(MYO18B):c.7324G>A (p.Asp2442Asn)

Gene: MYO18B (myosin XVIIIB; plus strand). Cytogenetic location: 22q12.1.
Variant type: single nucleotide variant.
Coding change: c.7324G>A on transcript NM_032608.7 (MANE Select); coding-DNA position 7324, G replaced by A.
Protein change: p.Asp2442Asn; replaces aspartic acid 2442 with asparagine.
Molecular consequence: missense variant.
Genome position (GRCh38, 1-based): chr22:26,027,298, G>A. VCF-style: chr22-26027298-G-A. GRCh37 (hg19) VCF-style: chr22-26423264-G-A.
Other names: c.7327G>A, p.Asp2443Asn (NM_001318245.2); c.7324G>A (NM_032608.6); short protein forms D2442N, D2443N.
Identifiers: ClinVar variation 3632003 (VCV003632003.2).

ClinVar aggregate classification (germline): Uncertain significance. Review status: criteria provided, multiple submitters, no conflicts (2 of 4 stars). 2 submissions from 2 submitters: Uncertain significance (2). Last evaluated 2026-09-07.

Conditions:
MYO18B-related disorder. Also called: MYO18B-related condition.

gnomAD v4.1: 19 of 1,613,884 alleles (0.0012%); highest among the groups gnomAD compares: African/African-American, 0.021%; no homozygotes.

Submissions (2):

PreventionGenetics, part of Exact Sciences
Classification: Uncertain significance for MYO18B-related condition. Last evaluated: 2026-09-07. Review status: criteria provided, single submitter. Criteria: ACMG Guidelines, 2015. Collection method: clinical testing. Allele origin: germline.
Comment: The MYO18B c.7324G>A variant is predicted to result in the amino acid substitution p.Asp2442Asn. To our knowledge, this variant has not been reported in the literature. This variant is reported in 0.025% of alleles in individuals of African descent in gnomAD. At this time, the clinical significance of this variant is uncertain due to the absence of conclusive functional and genetic evidence.

Labcorp Genetics (formerly Invitae), Labcorp
Classification: Uncertain significance. Last evaluated: 2024-10-13. Review status: criteria provided, single submitter. Criteria: Invitae Variant Classification Sherloc (09022015). Collection method: clinical testing. Allele origin: germline.
Comment: This sequence change replaces aspartic acid, which is acidic and polar, with asparagine, which is neutral and polar, at codon 2442 of the MYO18B protein (p.Asp2442Asn). This variant is present in population databases (rs767440795, gnomAD 0.02%). This variant has not been reported in the literature in individuals affected with MYO18B-related conditions. An algorithm developed to predict the effect of missense changes on protein structure and function (PolyPhen-2) suggests that this variant is likely to be disruptive. In summary, the available evidence is currently insufficient to determine the role of this variant in disease. Therefore, it has been classified as a Variant of Uncertain Significance.